The following is an entry in ClinVar:

NM_004360.5(CDH1):c.2314C>T (p.Leu772=)

Gene: CDH1 (cadherin 1; plus strand). Cytogenetic location: 16q22.1.
Variant type: single nucleotide variant.
Coding change: c.2314C>T on transcript NM_004360.5 (MANE Select); coding-DNA position 2314, C replaced by T.
Protein change: p.Leu772=; no amino-acid change (leucine 772 retained).
Molecular consequence: synonymous variant.
Genome position (GRCh38, 1-based): chr16:68,829,672, C>T. VCF-style: chr16-68829672-C-T. GRCh37 (hg19) VCF-style: chr16-68863575-C-T.
Other names: c.2131C>T, p.Leu711= (NM_001317184.2); c.766C>T, p.Leu256= (NM_001317185.2); c.349C>T, p.Leu117= (NM_001317186.2).
Identifiers: ClinVar variation 2903389 (VCV002903389.5), dbSNP rs1961424604, ClinGen allele CA496157353.

ClinVar aggregate classification (germline): Benign/Likely benign. Review status: criteria provided, multiple submitters, no conflicts (2 of 4 stars). 3 submissions from 3 submitters: Benign (1); Likely benign (2). Last evaluated 2024-09-23.

Conditions:
Hereditary cancer-predisposing syndrome. Also called: Hereditary Cancer Syndrome; Tumor predisposition; Neoplastic Syndromes, Hereditary; Hereditary neoplastic syndrome. Identifiers: Orphanet 140162, MedGen C0027672, MeSH D009386, MONDO:0015356.
Hereditary diffuse gastric adenocarcinoma (HDGC). Also called: DIFFUSE GASTRIC AND LOBULAR BREAST CANCER SYNDROME. Identifiers: Orphanet 26106, MedGen C1708349, MONDO:0007648, OMIM 137215.

Submissions (3):

Myriad Genetics, Inc.
Classification: Benign for Hereditary diffuse gastric adenocarcinoma. Last evaluated: 2024-09-23. Review status: criteria provided, single submitter. Criteria: Myriad Autosomal Dominant, Autosomal Recessive and X-Linked Classification Criteria (2023). Collection method: clinical testing. Allele origin: unknown.
Comment: This variant is considered benign. This variant is a silent/synonymous amino acid change and it is not expected to impact splicing.

Ambry Genetics
Classification: Likely benign for Hereditary cancer-predisposing syndrome. Last evaluated: 2024-05-30. Review status: criteria provided, single submitter. Criteria: Ambry Variant Classification Scheme 2023. Collection method: clinical testing. Allele origin: germline.

Labcorp Genetics (formerly Invitae), Labcorp
Classification: Likely benign for Hereditary diffuse gastric adenocarcinoma. Last evaluated: 2022-11-29. Review status: criteria provided, single submitter. Criteria: Invitae Variant Classification Sherloc (09022015). Collection method: clinical testing. Allele origin: germline.